The following continues an entry in ClinVar:

NM_014845.6(FIG4):c.122T>C (p.Ile41Thr)

Gene: FIG4. ClinVar aggregate classification (germline): Conflicting classifications of pathogenicity. Pathogenic (29); Likely pathogenic (5); Uncertain significance (1).

Submissions 30 to 44 of 44:

Johns Hopkins Genomics, Johns Hopkins University
Classification: Pathogenic for Charcot-Marie-Tooth disease type 4J. Last evaluated: 2020-07-17. Review status: criteria provided, single submitter. Criteria: ACMG Guidelines, 2015. Collection method: clinical testing. Allele origin: germline.
Comment: This FIG4 variant (rs121908287) is rare in a large population dataset (284/282242 total alleles; 0.1%; no homozygotes), and has an entry in ClinVar. Three bioinformatic tools queried predict that p.Ile41Thr would be damaging, and the isoleucine residue at this position is strongly conserved across the species assessed. Functional studies in proband fibroblasts, cultured cells, and yeast demonstrate that the p.Ile41Thr substitution leads to low levels of FIG4 protein. This variant is not predicted to affect normal exon 2 splicing, although this has not been confirmed experimentally to our knowledge. This variant in the FIG4 gene has been reported previously in association with CMT4J in individuals with a second FIG4 pathogenic variant on the opposite chromosome. A small number of patients with clinically diagnosed Charcot-Marie-Tooth disease (0.45%) are heterozygous carriers of the c.122T>C variant; some of these patients might carry an undetected non-coding variant that was missed by exon sequencing. We consider c.122T>C to be pathogenic.

Laboratory for Molecular Medicine, Mass General Brigham Personalized Medicine
Classification: Pathogenic for Charcot-Marie-Tooth disease type 4J. Last evaluated: 2020-06-19. Review status: criteria provided, single submitter. Criteria: LMM Criteria. Collection method: clinical testing. Allele origin: germline. Inheritance: Autosomal recessive inheritance. Observed: 1 variant allele.
Comment: The p.Ile41Thr variant in FIG4 has been reported in at least 23 individuals with Charcot Marie Tooth type 4J and segregated with disease in at least 14 affected individuals (first reported by Chow 2007 PMID: 17572665; >15 publications including de Leeuw 2008 PMID: 18261132, Ikonomov 2010 PMID: 20630877, Lenk 2011 PMID: 21655088, Cottenie 2013 PMID: 23489662, Lassuthova 2016 PMID: 27549087, Gentil 2017 PMID: 28859335, Morgan 2017 PMID: 28430856, Bacquet 2018 PMID: 30373780, Orengo 2018 PMID: 29468183). It has also been identified in 0.189% (244/128994) of European chromosomes by gnomAD. However, this frequency is low enough to be consistent with a recessive carrier frequency. This variant has also been reported in ClinVar as pathogenic by multiple submitters (Variation ID 1721). Computational prediction tools and conservation analyses suggest that this variant may impact the protein, though this information is not predictive enough to determine pathogenicity. In vitro and in vivo functional studies both provide some evidence that this variant impacts protein function (first by de Leeuw 2008 PMID: 18261132) and animal models in mice have shown that this variant causes peripheral neuropathy (Gentil 2017: 28859335). This variant was observed in trans with >10 different nonsense variants in FIG4, which are classified as pathogenic by other laboratories. In summary, this variant meets criteria to be classified as pathogenic for autosomal recessive CMT4J. ACMG/AMP Criteria applied: PM3_VeryStrong, PS3_Moderate, PP3, PP1_Strong.

Baylor Genetics
Classification: Pathogenic for Bilateral parasagittal parieto-occipital polymicrogyria. Last evaluated: 2019-09-30. Review status: criteria provided, single submitter. Criteria: ACMG Guidelines, 2015. Collection method: clinical testing. Allele origin: unknown. Affected: yes.
Comment: This variant was determined to be pathogenic according to ACMG Guidelines, 2015 [PMID:25741868]. This variant has been previously reported as pathogenic [PMID: 28051077, 28859335, 28430856, 18261132, 25617005, 21655088, 24878229, 17572665, 20630877, 23489662, 27549087, ClinVar ID: 1721]

Illumina Laboratory Services, Illumina
Classification: Pathogenic for Charcot-Marie-Tooth disease type 4J. Last evaluated: 2018-10-25. Review status: criteria provided, single submitter. Criteria: ICSL Variant Classification Criteria 09 May 2019. Collection method: clinical testing. Allele origin: germline.
Comment: The FIG4 c.122T>C (p.Ile41Thr) missense variant has been reported in four studies in which it is found in a total of 36 individuals with Charcot-Marie-Tooth, type 4, including in 18 in a compound heterozygous state, all in combination with a null variant, and in 18 in a heterozygous state in whom the second variant has not been found (Chow et al. 2007; Nicholson et al. 2011; Cottenie et al. 2013; Menezes et al. 2014). The p.Ile41Thr variant was found in 13 of 6064 controls, and is reported at a frequency of 0.001889 in the European (non-Finnish) population of the Genome Aggregation Database. Functional studies in proband fibroblasts, cultured cells, and yeast demonstrated that the p.Ile41Thr variant leads to low levels of protein due to impaired interaction with the scaffold protein, VAC14, which stabilizes FIG4 and impairs kinase activation (Chow et al. 2007; Zhang et al. 2008; Ikonomov et al. 2010; Lenk et al. 2011). In a mouse model, overexpression (5-fold) of variant p.Ile41Thr in Fig4-null mice rescued the severe neurodegenerative phenotype and lethality, whereas lesser overexpression (2-fold) resulted in partial rescue and a CMT-like phenotype (Lenk et al. 2011). Based on the collective evidence, the p.Ile41Thr variant is classified as pathogenic for Charcot-Marie-Tooth, type 4. This variant was observed by ICSL as part of a predisposition screen in an ostensibly healthy population.

Weber Lab, Hannover Medical School
Classification: Pathogenic for Amyotrophic lateral sclerosis type 11. Last evaluated: 2016-09-13. Review status: criteria provided, single submitter. Criteria: "ACMG Guidelines, 2015". Collection method: research. Allele origin: germline. Affected: yes.

Harry Perkins Institute Of Medical Research, University Of Western Australia
Classification: Pathogenic for Charcot-Marie-Tooth disease type 4J. Review status: criteria provided, single submitter. Criteria: ACMG Guidelines, 2015. Collection method: research. Allele origin: maternal. Inheritance: Autosomal recessive inheritance. Affected: yes. Observed: 1 variant allele, 1 compound heterozygote.
Comment: Variant is reported in numerous publications including: PMID: 17572665, PMID:18261132, PMID: 20630877

OMIM
Classification: Pathogenic for CHARCOT-MARIE-TOOTH DISEASE, DEMYELINATING, TYPE 4J. Last evaluated: 2011-07-01. Review status: no assertion criteria provided. Collection method: literature only. Allele origin: germline. Not counted in ClinVar's aggregate classification.

Clinical Genetics DNA and cytogenetics Diagnostics Lab, Erasmus MC, Erasmus Medical Center
Classification: Pathogenic. Review status: no assertion criteria provided. Collection method: clinical testing. Allele origin: germline. Affected: yes. Study: VKGL Data-share Consensus. Not counted in ClinVar's aggregate classification.

Clinical Genetics, Academic Medical Center
Classification: Pathogenic. Review status: no assertion criteria provided. Collection method: clinical testing. Allele origin: germline. Affected: yes. Study: VKGL Data-share Consensus. Not counted in ClinVar's aggregate classification.

GeneReviews
No classification provided. Condition: Charcot-Marie-Tooth disease type 4J. Review status: no classification provided. Collection method: literature only. Allele origin: unknown. Not counted in ClinVar's aggregate classification.

Joint Genome Diagnostic Labs from Nijmegen and Maastricht, Radboudumc and MUMC+
Classification: Pathogenic. Review status: no assertion criteria provided. Collection method: clinical testing. Allele origin: germline. Affected: yes. Study: VKGL Data-share Consensus. Not counted in ClinVar's aggregate classification.

Suna and Inan Kirac Foundation Neurodegeneration Research Laboratory, Koc University
Classification: Likely benign for Amyotrophic lateral sclerosis. Last evaluated: 2020-03-31. Review status: flagged submission. Criteria: ACMG Guidelines, 2015. Collection method: research. Allele origin: germline. Affected: yes. Observed: 1 variant allele. Not counted in ClinVar's aggregate classification.
ClinVar note: Reason: Outlier claim with insufficient supporting evidence

Centre for Mendelian Genomics, University Medical Centre Ljubljana
Classification: Uncertain significance for Yunis-Varon syndrome. Last evaluated: 2019-05-06. Review status: flagged submission. Criteria: ACMG Guidelines, 2015. Collection method: clinical testing. Allele origin: unknown. Affected: yes. Not counted in ClinVar's aggregate classification.
Comment: This variant was classified as: Uncertain significance. The available evidence favors the pathogenic nature of this variant, however the currently available data is insufficient to conclusively support its pathogenic nature. Thus this variant is classified as Uncertain significance - favor pathogenic. The following ACMG criteria were applied in classifying this variant: PS1,PS3,PP3,BP1,BS1.
ClinVar note: Reason: Outlier claim with insufficient supporting evidence

Inherited Neuropathy Consortium Ii, University Of Miami
Classification: Uncertain significance for Amyotrophic lateral sclerosis. Last evaluated: 2016-01-06. Review status: flagged submission. Collection method: literature only. Allele origin: germline. Affected: yes. Not counted in ClinVar's aggregate classification.
ClinVar note: Reason: Outlier claim with insufficient supporting evidence

Northcott Neuroscience Laboratory, ANZAC Research Institute
Classification: Benign. Review status: flagged submission. Collection method: not provided. Allele origin: unknown. Not counted in ClinVar's aggregate classification.
Comment: CMT1
ClinVar note: Converted during submission from non-pathogenic to Benign.
ClinVar note: Reason: Outlier claim with insufficient supporting evidence

Literature cited by the submitters: PubMed 17572665 (cited by 12 submitters); PubMed 18556664 (cited by 4 submitters); PubMed 21705420 (cited by 8 submitters); PubMed 23489662 (cited by 6 submitters); PubMed 24878229 (cited by 6 submitters); PubMed 20630877 (cited by 8 submitters); PubMed 21655088 (cited by 12 submitters); PubMed 25614874 (cited by Mayo Clinic Laboratories, Mayo Clinic and Athena Diagnostics); PubMed 26662798 (cited by Mayo Clinic Laboratories, Mayo Clinic and Athena Diagnostics); PubMed 37950760 (cited by Mayo Clinic Laboratories, Mayo Clinic); PubMed 39457468 (cited by Mayo Clinic Laboratories, Mayo Clinic); PubMed 32022442 (cited by Athena Diagnostics and Women's Health and Genetics/Laboratory Corporation of America, LabCorp); PubMed 30373780 (cited by Athena Diagnostics and Laboratory for Molecular Medicine, Mass General Brigham Personalized Medicine); PubMed 29468183 (cited by Athena Diagnostics and Laboratory for Molecular Medicine, Mass General Brigham Personalized Medicine); PubMed 28859335 (cited by 4 submitters); PubMed 27549087 (cited by 3 submitters); PubMed 25448007 (cited by Athena Diagnostics); PubMed 29518270 (cited by Athena Diagnostics); PubMed 28051077 (cited by 4 submitters); PubMed 25382069 (cited by Athena Diagnostics and Pittsburgh Clinical Genomics Laboratory, University of Pittsburgh Medical Center); PubMed 28430856 (cited by 4 submitters); PubMed 31743256 (cited by Pittsburgh Clinical Genomics Laboratory, University of Pittsburgh Medical Center); PubMed 33405357 (cited by Pittsburgh Clinical Genomics Laboratory, University of Pittsburgh Medical Center and Harry Perkins Institute Of Medical Research, University Of Western Australia); PubMed 20301641 (cited by Dasa and GeneReviews); PubMed 27447704 (cited by Dasa); PubMed 30792901 (cited by Dasa); PubMed 18261132 (cited by 3 submitters); PubMed 25617005 (cited by Baylor Genetics); NCBI Bookshelf NBK1468 (cited by GeneReviews).